The following is an entry in ClinVar:

NM_021939.4(FKBP10):c.802G>A (p.Val268Ile)

Gene: FKBP10 (FKBP prolyl isomerase 10; plus strand). Cytogenetic location: 17q21.2.
Variant type: single nucleotide variant.
Coding change: c.802G>A on transcript NM_021939.4 (MANE Select); coding-DNA position 802, G replaced by A.
Protein change: p.Val268Ile; replaces valine 268 with isoleucine.
Molecular consequence: missense variant.
Genome position (GRCh38, 1-based): chr17:41,819,284, G>A. VCF-style: chr17-41819284-G-A. GRCh37 (hg19) VCF-style: chr17-39975536-G-A.
Other names: short protein forms V268I.
Identifiers: ClinVar variation 1405992 (VCV001405992.3), dbSNP rs2047856753, ClinGen allele CA399516340.

ClinVar aggregate classification (germline): Uncertain significance (1 of 4 stars; one submission).

Allele frequency attached by ClinVar (database versions not stated): gnomAD exomes below 0.00001; TOPMed 0.00001.
gnomAD v4.1: 8 of 1,614,188 alleles (0.0005%); highest among the groups gnomAD compares: Non-Finnish European, 0.000085%; no homozygotes.

Submission:

Labcorp Genetics (formerly Invitae), Labcorp
Classification: Uncertain significance. Last evaluated: 2022-01-12. Review status: criteria provided, single submitter. Criteria: Invitae Variant Classification Sherloc (09022015). Collection method: clinical testing. Allele origin: germline.
Comment: This sequence change replaces valine, which is neutral and non-polar, with isoleucine, which is neutral and non-polar, at codon 268 of the FKBP10 protein (p.Val268Ile). This variant is not present in population databases (gnomAD no frequency). This variant has not been reported in the literature in individuals affected with FKBP10-related conditions. Algorithms developed to predict the effect of missense changes on protein structure and function output the following: SIFT: "Tolerated"; PolyPhen-2: "Benign"; Align-GVGD: "Class C0". The isoleucine amino acid residue is found in multiple mammalian species, which suggests that this missense change does not adversely affect protein function. In summary, the available evidence is currently insufficient to determine the role of this variant in disease. Therefore, it has been classified as a Variant of Uncertain Significance.